The following is an entry in ClinVar:

NM_001164508.2(NEB):c.17944C>T (p.Gln5982Ter)

Gene: NEB (nebulin; minus strand). Cytogenetic location: 2q23.3.
Variant type: single nucleotide variant.
Coding change: c.17944C>T on transcript NM_001164508.2 (MANE Select); coding-DNA position 17944, C replaced by T.
Protein change: p.Gln5982Ter; replaces glutamine 5982 with a stop codon.
Molecular consequence: nonsense.
Genome position (GRCh38, 1-based): chr2:151,567,380, G>A on the plus strand (C>T on the coding strand, the complement: NEB is on the minus strand). VCF-style: chr2-151567380-G-A. GRCh37 (hg19) VCF-style: chr2-152423894-G-A.
Other names: c.17944C>T, p.Gln5982Ter (NM_001164507.2, NM_001271208.2); c.12841C>T, p.Gln4281Ter (NM_004543.5); short protein forms Q4281*, Q5982*.
Identifiers: ClinVar variation 2034408 (VCV002034408.4), dbSNP rs2552193781, ClinGen allele CA348803769.

ClinVar aggregate classification (germline): Pathogenic (1 of 4 stars; one submission).

Conditions:
Nemaline myopathy 2 (NEM2). Also called: Nemaline myopathy 2, autosomal recessive. Identifiers: MedGen C1850569, MONDO:0009725, OMIM 256030.

Submission:

Labcorp Genetics (formerly Invitae), Labcorp
Classification: Pathogenic for Nemaline myopathy 2. Last evaluated: 2022-10-07. Review status: criteria provided, single submitter. Criteria: Invitae Variant Classification Sherloc (09022015). Collection method: clinical testing. Allele origin: germline.
Comment: This sequence change creates a premature translational stop signal (p.Gln5982*) in the NEB gene. It is expected to result in an absent or disrupted protein product. Loss-of-function variants in NEB are known to be pathogenic (PMID: 25205138). This variant is not present in population databases (gnomAD no frequency). This variant has not been reported in the literature in individuals affected with NEB-related conditions. For these reasons, this variant has been classified as Pathogenic.

Literature cited by the submitters: PubMed 25205138.